The following is an entry in ClinVar:

NM_000091.5(COL4A3):c.3401G>T (p.Gly1134Val)

Genes: COL4A3 (collagen type IV alpha 3 chain; plus strand), MFF-DT (MFF divergent transcript; minus strand). Cytogenetic location: 2q36.3.
Variant type: single nucleotide variant.
Coding change: c.3401G>T on transcript NM_000091.5 (MANE Select); coding-DNA position 3401, G replaced by T.
Protein change: p.Gly1134Val; replaces glycine 1134 with valine.
Molecular consequence: missense variant.
Genome position (GRCh38, 1-based): chr2:227,294,553, G>T. VCF-style: chr2-227294553-G-T. GRCh37 (hg19) VCF-style: chr2-228159269-G-T.
Other names: short protein forms G1134V.
Identifiers: ClinVar variation 4851300 (VCV004851300.2).

ClinVar aggregate classification (germline): Likely pathogenic (1 of 4 stars; one submission).

Conditions:
Alport syndrome 3b, autosomal recessive. Identifiers: MedGen C5882699, MONDO:0957811, OMIM 620536.

Submission:

Genetics laboratory, Institute of Kidney Diseases & Research Centre Dr. H.L. Trivedi Institute Of Transplantation Sciences
Classification: Likely pathogenic for Alport syndrome 3b, autosomal recessive. Last evaluated: 2025-09-10. Review status: criteria provided, single submitter. Criteria: ACMG Guidelines, 2015. Collection method: clinical testing. Allele origin: germline. Inheritance: Autosomal recessive inheritance. Affected: yes. Observed: 1 variant allele, 1 homozygote.
Comment: The COL4A3:c.3401G>T (p.Gly1134Val) variant is classified as Likely Pathogenic according to American College of Medical Genetics and Genomics 2015 guidelines. It results in substitution of a highly conserved glycine residue within the collagenous domain of the protein, which is essential for triple helix formation and represents a known mutational hotspot in Alport syndrome. The variant is absent/rare in population databases, and missense variants in COL4A3 are a common mechanism of disease. Computational predictions also support a deleterious effect on protein structure and function.